The following is an entry in ClinVar:

ClinVar aggregate classification (germline): Uncertain significance (1 of 4 stars; one submission).

Conditions:
Hereditary cancer-predisposing syndrome. Also called: Neoplastic Syndromes, Hereditary; Tumor predisposition; Hereditary Cancer Syndrome; Hereditary neoplastic syndrome. Identifiers: Orphanet 140162, MedGen C0027672, MeSH D009386, MONDO:0015356.

Allele frequency attached by ClinVar (database versions not stated): gnomAD exomes below 0.00001.
gnomAD v4.1: 2 of 1,613,412 alleles (0.00012%); highest among the groups gnomAD compares: Non-Finnish European, 0.00017%; no homozygotes.

Submission:

Ambry Genetics
Classification: Uncertain significance for Hereditary cancer-predisposing syndrome. Last evaluated: 2025-10-28. Review status: criteria provided, single submitter. Criteria: Ambry Variant Classification Scheme 2023. Collection method: clinical testing. Allele origin: germline.
Comment: The p.P67L variant (also known as c.200C>T), located in coding exon 3 of the MRE11A gene, results from a C to T substitution at nucleotide position 200. The proline at codon 67 is replaced by leucine, an amino acid with similar properties. This amino acid position is highly conserved in available vertebrate species. In addition, this alteration is predicted to be deleterious by in silico analysis. Since supporting evidence is limited at this time, the clinical significance of this alteration remains unclear.

NM_005591.4(MRE11):c.200C>T (p.Pro67Leu)

Gene: MRE11 (MRE11 double strand break repair nuclease; minus strand). Cytogenetic location: 11q21.
Variant type: single nucleotide variant.
Coding change: c.200C>T on transcript NM_005591.4 (MANE Select); coding-DNA position 200, C replaced by T.
Protein change: p.Pro67Leu; replaces proline 67 with leucine.
Molecular consequence: missense variant.
Genome position (GRCh38, 1-based): chr11:94,486,038, G>A on the plus strand (C>T on the coding strand, the complement: MRE11 is on the minus strand). VCF-style: chr11-94486038-G-A. GRCh37 (hg19) VCF-style: chr11-94219204-G-A.
Other names: c.200C>T, p.Pro67Leu (NM_001330347.2, NM_005590.4); short protein forms P67L.
Identifiers: ClinVar variation 1799935 (VCV001799935.4), dbSNP rs1224848519, ClinGen allele CA382379742.